The following is an entry in ClinVar:

NM_177438.3(DICER1):c.1302T>G (p.Phe434Leu)

Gene: DICER1 (dicer 1, ribonuclease III; minus strand). Cytogenetic location: 14q32.13.
Variant type: single nucleotide variant.
Coding change: c.1302T>G on transcript NM_177438.3 (MANE Select); coding-DNA position 1302, T replaced by G.
Protein change: p.Phe434Leu; replaces phenylalanine 434 with leucine.
Molecular consequence: missense variant.
Genome position (GRCh38, 1-based): chr14:95,124,270, A>C on the plus strand (T>G on the coding strand, the complement: DICER1 is on the minus strand). VCF-style: chr14-95124270-A-C. GRCh37 (hg19) VCF-style: chr14-95590607-A-C.
Other names: c.1302T>G, p.Phe434Leu (NM_001195573.1, NM_001271282.3, NM_001291628.2 and 1 more transcripts); short protein forms F434L.
Identifiers: ClinVar variation 1378287 (VCV001378287.7), dbSNP rs2140201613, ClinGen allele CA390886273.

ClinVar aggregate classification (germline): Uncertain significance (1 of 4 stars; one submission).

Conditions:
DICER1-related tumor predisposition. Also called: DICER1 syndrome; DICER1-related pleuropulmonary blastoma cancer predisposition syndrome. Identifiers: Orphanet 284343, MedGen C3839822, MONDO:0100216.

Submission:

Labcorp Genetics (formerly Invitae), Labcorp
Classification: Uncertain significance for DICER1-related tumor predisposition. Last evaluated: 2022-03-08. Review status: criteria provided, single submitter. Criteria: Invitae Variant Classification Sherloc (09022015). Collection method: clinical testing. Allele origin: germline.
Comment: In summary, the available evidence is currently insufficient to determine the role of this variant in disease. Therefore, it has been classified as a Variant of Uncertain Significance. Algorithms developed to predict the effect of missense changes on protein structure and function (SIFT, PolyPhen-2, Align-GVGD) all suggest that this variant is likely to be tolerated. This variant has not been reported in the literature in individuals affected with DICER1-related conditions. This variant is not present in population databases (gnomAD no frequency). This sequence change replaces phenylalanine, which is neutral and non-polar, with leucine, which is neutral and non-polar, at codon 434 of the DICER1 protein (p.Phe434Leu).